The following is an entry in ClinVar:

NM_017654.4(SAMD9):c.374C>T (p.Pro125Leu)

Gene: SAMD9 (sterile alpha motif domain containing 9; minus strand). Cytogenetic location: 7q21.2.
Variant type: single nucleotide variant.
Coding change: c.374C>T on transcript NM_017654.4 (MANE Select); coding-DNA position 374, C replaced by T.
Protein change: p.Pro125Leu; replaces proline 125 with leucine.
Molecular consequence: missense variant.
Genome position (GRCh38, 1-based): chr7:93,105,724, G>A on the plus strand (C>T on the coding strand, the complement: SAMD9 is on the minus strand). VCF-style: chr7-93105724-G-A. GRCh37 (hg19) VCF-style: chr7-92735037-G-A.
Other names: c.374C>T, p.Pro125Leu (NM_001193307.2); short protein forms P125L.
Identifiers: ClinVar variation 1336910 (VCV001336910.11), dbSNP rs144391563, ClinGen allele CA4343154.

ClinVar aggregate classification (germline): Uncertain significance. Review status: criteria provided, multiple submitters, no conflicts (2 of 4 stars). 3 submissions from 3 submitters: Uncertain significance (3). Last evaluated 2026-02-11.

Conditions:
Monosomy 7 myelodysplasia and leukemia syndrome 2. Identifiers: MedGen C5436668, MONDO:0030801, OMIM 619041.

Allele frequency attached by ClinVar (database versions not stated): ESP Exome Variant Server 0.00015; gnomAD exomes below 0.00001 and 0.00002; ExAC 0.00004; gnomAD 0.00004; TOPMed 0.00006.
gnomAD v4.1: 13 of 1,613,958 alleles (0.00081%); highest among the groups gnomAD compares: Middle Eastern, 0.016%; no homozygotes.

Submissions (3):

St. Jude Molecular Pathology, St. Jude Children's Research Hospital
Classification: Uncertain significance for Monosomy 7 myelodysplasia and leukemia syndrome 2. Last evaluated: 2026-02-11. Review status: criteria provided, single submitter. Criteria: St. Jude Assertion Criteria 2020. Collection method: clinical testing. Allele origin: germline.
Comment: The SAMD9 c.374C>T p.(Pro125Leu) missense change has a maximum subpopulation frequency of 0.016% in gnomAD v2.1.1. The in silico tool REVEL predicts a benign effect on protein function, however in silico predictions have not been found to correlate with syndromic risk and are thus not considered supporting evidence of a pathogenic or benign effect (PMID: 34621053). To our knowledge, this variant has not been reported in individuals with SAMD9-associated conditions. In summary, the evidence currently available is insufficient to determine the clinical significance of this variant. It has therefore been classified as of uncertain significance.

Labcorp Genetics (formerly Invitae), Labcorp
Classification: Uncertain significance. Last evaluated: 2026-01-21. Review status: criteria provided, single submitter. Criteria: Invitae Variant Classification Sherloc (09022015). Collection method: clinical testing. Allele origin: germline.
Comment: This sequence change replaces proline, which is neutral and non-polar, with leucine, which is neutral and non-polar, at codon 125 of the SAMD9 protein (p.Pro125Leu). This variant is present in population databases (rs144391563, gnomAD 0.01%). This variant has not been reported in the literature in individuals affected with SAMD9-related conditions. ClinVar contains an entry for this variant (Variation ID: 1336910). Invitae Evidence Modeling of protein sequence and biophysical properties (such as structural, functional, and spatial information, amino acid conservation, physicochemical variation, residue mobility, and thermodynamic stability) indicates that this missense variant is not expected to disrupt SAMD9 protein function with a negative predictive value of 95%. In summary, the available evidence is currently insufficient to determine the role of this variant in disease. Therefore, it has been classified as a Variant of Uncertain Significance.

Genetic Services Laboratory, University of Chicago
Classification: Uncertain significance. Last evaluated: 2018-11-01. Review status: criteria provided, single submitter. Criteria: ACMG Guidelines, 2015. Collection method: clinical testing. Allele origin: germline. Affected: no.